The following is an entry in ClinVar:

NM_020166.5(MCCC1):c.756_757del (p.Pro253fs)

Gene: MCCC1 (methylcrotonyl-CoA carboxylase subunit 1; minus strand). Cytogenetic location: 3q27.1.
Variant type: Microsatellite.
Coding change: c.756_757del on transcript NM_020166.5 (MANE Select); coding-DNA positions 756 to 757, 2 bases deleted (AC; older notation c.756_757delAC).
Protein change: p.Pro253fs; shifts the reading frame from proline 253.
Molecular consequence: frameshift variant. On other transcripts: non-coding transcript variant (2).
Genome position (GRCh38, 1-based): chr3:183,071,003-183,071,004, GT deleted on the plus strand (AC on the coding strand, the reverse complement: MCCC1 is on the minus strand); deleting any 2 consecutive bases within chr3:183,071,003-183,071,008 gives the same sequence; the c. name uses the placement nearest the transcript's 3' end. VCF-style (leftmost placement, unchanged base first): chr3-183071002-GGT-G. GRCh37 (hg19) VCF-style: chr3-182788790-GGT-G.
Other names: c.405_406del, p.Pro136fs (NM_001293273.2); c.429_430del, p.Pro144fs (NM_001363880.1); short protein forms P136fs, P144fs, P253fs.
Identifiers: ClinVar variation 4773180 (VCV004773180.1).

ClinVar aggregate classification (germline): Pathogenic (1 of 4 stars; one submission).

Conditions:
3-methylcrotonyl-CoA carboxylase 1 deficiency (MCC1D). Also called: MCC 1 deficiency; 3 Alpha methylcrotonylglycinuria 1; MCCD TYPE 1; METHYLCROTONYLGLYCINURIA TYPE I. Identifiers: Orphanet 6, MedGen CN028786, MONDO:0008861, OMIM 210200.

Submission:

Labcorp Genetics (formerly Invitae), Labcorp
Classification: Pathogenic for 3-methylcrotonyl-CoA carboxylase 1 deficiency. Last evaluated: 2025-04-04. Review status: criteria provided, single submitter. Criteria: Invitae Variant Classification Sherloc (09022015). Collection method: clinical testing. Allele origin: germline.
Comment: This sequence change creates a premature translational stop signal (p.Pro253Glufs*10) in the MCCC1 gene. It is expected to result in an absent or disrupted protein product. Loss-of-function variants in MCCC1 are known to be pathogenic (PMID: 11181649, 15359379, 22642865). This variant is not present in population databases (gnomAD no frequency). This variant has not been reported in the literature in individuals affected with MCCC1-related conditions. For these reasons, this variant has been classified as Pathogenic.

Literature cited by the submitters: PubMed 11181649; PubMed 15359379; PubMed 22642865.